The following is an entry in ClinVar:

ClinVar aggregate classification (germline): Uncertain significance. Review status: criteria provided, multiple submitters, no conflicts (2 of 4 stars). 2 submissions from 2 submitters: Uncertain significance (2). Last evaluated 2025-06-02.

Allele frequency attached by ClinVar (database versions not stated): ExAC 0.00004; gnomAD 0.00008; TOPMed 0.00005.
gnomAD v4.1: 161 of 1,614,028 alleles (0.01%); highest among the groups gnomAD compares: Non-Finnish European, 0.013%; no homozygotes.

Submissions (2):

Labcorp Genetics (formerly Invitae), Labcorp
Classification: Uncertain significance. Last evaluated: 2025-06-02. Review status: criteria provided, single submitter. Criteria: Invitae Variant Classification Sherloc (09022015). Collection method: clinical testing. Allele origin: germline.
Comment: This sequence change replaces glycine, which is neutral and non-polar, with serine, which is neutral and polar, at codon 54 of the ARHGEF10 protein (p.Gly54Ser). This variant is present in population databases (rs762577053, gnomAD 0.009%). This variant has not been reported in the literature in individuals affected with ARHGEF10-related conditions. ClinVar contains an entry for this variant (Variation ID: 2910759). An algorithm developed to predict the effect of missense changes on protein structure and function outputs the following: PolyPhen-2: "Benign". The serine amino acid residue is found in multiple mammalian species, which suggests that this missense change does not adversely affect protein function. In summary, the available evidence is currently insufficient to determine the role of this variant in disease. Therefore, it has been classified as a Variant of Uncertain Significance.

Ambry Genetics
Classification: Uncertain significance. Last evaluated: 2025-03-28. Review status: criteria provided, single submitter. Criteria: Ambry Variant Classification Scheme 2023. Collection method: clinical testing. Allele origin: germline.

NM_014629.4(ARHGEF10):c.160G>A (p.Gly54Ser)

Gene: ARHGEF10 (Rho guanine nucleotide exchange factor 10; plus strand). Cytogenetic location: 8p23.3.
Variant type: single nucleotide variant.
Coding change: c.160G>A on transcript NM_014629.4 (MANE Select); coding-DNA position 160, G replaced by A.
Protein change: p.Gly54Ser; replaces glycine 54 with serine.
Molecular consequence: missense variant.
Genome position (GRCh38, 1-based): chr8:1,858,082, G>A. VCF-style: chr8-1858082-G-A. GRCh37 (hg19) VCF-style: chr8-1806248-G-A.
Other names: c.160G>A, p.Gly54Ser (NM_001308152.2, NM_001308153.3); short protein forms G54S, G78S.
Identifiers: ClinVar variation 2910759 (VCV002910759.4), dbSNP rs762577053, ClinGen allele CA4599610.
Genomic context (GRCh38, chr8:1,858,082, plus strand): 5'-GACAGTGGAGATGAAATCCCAGAAGCGGACAGACAGGCCCCATCCGCCCCTGAGACAGGA[G>A]GTGCTGGAGCCAGTGAAGCCCCTGCACCCACAGGTGAGTTTCCAGGAGGGTCCCCAGGTG-3'
Protein context (NP_055444.2, residues 44-64): RQAPSAPETG[Gly54Ser]AGASEAPAPT